The following is an entry in ClinVar:

NM_000051.4(ATM):c.7274del (p.Gly2425fs)

Genes: ATM (ATM serine/threonine kinase; plus strand), C11orf65 (chromosome 11 open reading frame 65; minus strand). Cytogenetic location: 11q22.3.
Variant type: Deletion.
Coding change: c.7274del on transcript NM_000051.4 (MANE Select); coding-DNA position 7274, one base deleted (G; older notation c.7274delG).
Protein change: p.Gly2425fs; shifts the reading frame from glycine 2425.
Molecular consequence: frameshift variant. On other transcripts: intron variant (2).
Genome position (GRCh38, 1-based): chr11:108,329,205, G deleted; the last of 2 consecutive G bases (chr11:108,329,204-108,329,205); deleting either gives the same sequence. VCF-style (leftmost placement, unchanged base first): chr11-108329203-AG-A. GRCh37 (hg19) VCF-style: chr11-108199930-AG-A.
Other names: c.7274del, p.Gly2425fs (NM_001351834.2); c.641-20133del (NM_001330368.2); c.*38+6016del (NM_001351110.2); short protein forms G2425fs.
Identifiers: ClinVar variation 568885 (VCV000568885.8), dbSNP rs1565527283, ClinGen allele CA476676762.
Genomic context (GRCh38, chr11:108,329,203, plus strand): 5'-CATGAAATCATCGGAATTTGAAAACAAGCAAGCTCTCCTGAAAAGAGCCAAAGAGGAAGT[AG>A]GTCTCCTTAGGGAACATAAAATTCAGACAAACAGGTAACTAGGTTTCTACAAGTGACAAT-3'

ClinVar aggregate classification (germline): Pathogenic (1 of 4 stars; one submission).

Conditions:
Ataxia-telangiectasia syndrome (AT). Also called: Cerebello-oculocutaneous telangiectasia; Immunodeficiency with ataxia telangiectasia; Ataxia-telangiectasia, complementation group E; Ataxia-telangiectasia, complementation group D; AT, COMPLEMENTATION GROUP C; ATAXIA-TELANGIECTASIA, COMPLEMENTATION GROUP A. Identifiers: Orphanet 100, MedGen C0004135, MONDO:0008840, OMIM 208900.

Submission:

Labcorp Genetics (formerly Invitae), Labcorp
Classification: Pathogenic for Ataxia-telangiectasia syndrome. Last evaluated: 2018-02-26. Review status: criteria provided, single submitter. Criteria: Invitae Variant Classification Sherloc (09022015). Collection method: clinical testing. Allele origin: germline.
Comment: For these reasons, this variant has been classified as Pathogenic. Loss-of-function variants in ATM are known to be pathogenic (PMID: 23807571, 25614872). This variant has not been reported in the literature in individuals with ATM-related disease. This variant is not present in population databases (ExAC no frequency). This sequence change creates a premature translational stop signal (p.Gly2425Valfs*15) in the ATM gene. It is expected to result in an absent or disrupted protein product.

Literature cited by the submitters: PubMed 23807571; PubMed 25614872.